The following is an entry in ClinVar:

NM_206937.2(LIG4):c.1954G>A (p.Val652Ile)

Gene: LIG4 (DNA ligase 4; minus strand). Cytogenetic location: 13q33.3.
Variant type: single nucleotide variant.
Coding change: c.1954G>A on transcript NM_206937.2 (MANE Select); coding-DNA position 1954, G replaced by A.
Protein change: p.Val652Ile; replaces valine 652 with isoleucine.
Molecular consequence: missense variant.
Genome position (GRCh38, 1-based): chr13:108,209,315, C>T on the plus strand (G>A on the coding strand, the complement: LIG4 is on the minus strand). VCF-style: chr13-108209315-C-T. GRCh37 (hg19) VCF-style: chr13-108861663-C-T.
Other names: c.1954G>A, p.Val652Ile (NM_001098268.2, NM_001352598.2, NM_001352599.2 and 6 more transcripts); c.1753G>A, p.Val585Ile (NM_001330595.2); c.1990G>A, p.Val664Ile (NM_001352604.2); short protein forms V652I, V585I, V664I.
Identifiers: ClinVar variation 533821 (VCV000533821.8), dbSNP rs754457967, ClinGen allele CA7043579.

ClinVar aggregate classification (germline): Uncertain significance. Review status: criteria provided, single submitter (1 of 4 stars). 3 submissions from 3 submitters: Uncertain significance (1). 2 of the submissions do not count toward it. Last evaluated 2022-07-25.

Conditions:
DNA ligase IV deficiency. Identifiers: Orphanet 99812, MedGen C1847827, MONDO:0011686, OMIM 606593.

Allele frequency attached by ClinVar (database versions not stated): ExAC 0.00002; gnomAD exomes 0.00002; gnomAD 0.00003 and 0.00004; TOPMed 0.00003.
gnomAD v4.1: 35 of 1,613,892 alleles (0.0022%); highest among the groups gnomAD compares: Middle Eastern, 0.016%; no homozygotes.

Submissions (3):

Labcorp Genetics (formerly Invitae), Labcorp
Classification: Uncertain significance for DNA ligase IV deficiency. Last evaluated: 2022-07-25. Review status: criteria provided, single submitter. Criteria: Invitae Variant Classification Sherloc (09022015). Collection method: clinical testing. Allele origin: germline.
Comment: This sequence change replaces valine, which is neutral and non-polar, with isoleucine, which is neutral and non-polar, at codon 652 of the LIG4 protein (p.Val652Ile). This variant is present in population databases (rs754457967, gnomAD 0.006%). This variant has not been reported in the literature in individuals affected with LIG4-related conditions. ClinVar contains an entry for this variant (Variation ID: 533821). Algorithms developed to predict the effect of missense changes on protein structure and function output the following: SIFT: "Tolerated"; PolyPhen-2: "Benign"; Align-GVGD: "Class C0". The isoleucine amino acid residue is found in multiple mammalian species, which suggests that this missense change does not adversely affect protein function. In summary, the available evidence is currently insufficient to determine the role of this variant in disease. Therefore, it has been classified as a Variant of Uncertain Significance.

Clinical Genetics DNA and cytogenetics Diagnostics Lab, Erasmus MC, Erasmus Medical Center
Classification: Likely benign. Review status: no assertion criteria provided. Collection method: clinical testing. Allele origin: germline. Affected: yes. Study: VKGL Data-share Consensus. Not counted in ClinVar's aggregate classification.

Genome Diagnostics Laboratory, University Medical Center Utrecht
Classification: Likely benign. Review status: no assertion criteria provided. Collection method: clinical testing. Allele origin: germline. Affected: yes. Study: VKGL Data-share Consensus. Not counted in ClinVar's aggregate classification.